The following is an entry in ClinVar:

NC_000023.10:g.(?_22050695)_(22051261_?)dup

Gene: PHEX (phosphate regulating endopeptidase X-linked; plus strand). Cytogenetic location: Xp22.11.
Variant type: Duplication.
Identifiers: ClinVar variation 2423109 (VCV002423109.4).

ClinVar aggregate classification (germline): Uncertain significance (1 of 4 stars; one submission).

Submission:

Labcorp Genetics (formerly Invitae), Labcorp
Classification: Uncertain significance. Last evaluated: 2021-12-12. Review status: criteria provided, single submitter. Criteria: Invitae Variant Classification Sherloc (09022015). Collection method: clinical testing. Allele origin: germline.
Comment: In summary, the available evidence is currently insufficient to determine the role of this variant in disease. Therefore, it has been classified as a Variant of Uncertain Significance. This variant has not been reported in the literature in individuals affected with PHEX-related conditions. This variant results in a copy number gain of the genomic region encompassing exon(s) 1 of the PHEX gene. This region includes the initiator codon of the gene. This copy number gain extends beyond the assayed region for this gene and therefore may encompass additional genes. As the precise location of this event is unknown, it may be in tandem or it may be located elsewhere in the genome.